The following is an entry in ClinVar:

ClinVar aggregate classification (germline): Uncertain significance (1 of 4 stars; one submission).

Conditions:
SH2B1-related disorder. Also called: SH2B1-related condition.

gnomAD v4.1: 15 of 1,562,822 alleles (0.00096%); highest among the groups gnomAD compares: African/African-American, 0.0081%; no homozygotes.

Submission:

PreventionGenetics, part of Exact Sciences
Classification: Uncertain significance for SH2B1-related condition. Last evaluated: 2026-06-13. Review status: criteria provided, single submitter. Criteria: ACMG Guidelines, 2015. Collection method: clinical testing. Allele origin: germline.
Comment: The SH2B1 c.1900C>T variant is predicted to result in the amino acid substitution p.Arg634Trp. This variant can also be referred to as intronic variant c.1898-275C>T in an alternative transcript (NM_001145795). To our knowledge, this variant has not been reported in the literature. This variant is reported in 0.014% of alleles in individuals of African descent in gnomAD. At this time, the clinical significance of this variant is uncertain due to the absence of conclusive functional and genetic evidence.

NM_001387430.1(SH2B1):c.1898-275C>T

Gene: SH2B1 (SH2B adaptor protein 1; plus strand). Cytogenetic location: 16p11.2.
Variant type: single nucleotide variant.
Coding change: c.1898-275C>T on transcript NM_001387430.1 (MANE Select); 275 bases into the intron before coding-DNA position 1898, C replaced by T.
Molecular consequence: intron variant. On other transcripts: missense variant (4), synonymous variant (1).
Genome position (GRCh38, 1-based): chr16:28,873,172, C>T. VCF-style: chr16-28873172-C-T. GRCh37 (hg19) VCF-style: chr16-28884493-C-T.
Other names: c.1900C>T, p.Arg634Trp (NM_001145796.2, NM_001145812.2, NM_015503.3); c.1953C>T, p.Ala651= (NM_001145797.2); c.892C>T, p.Arg298Trp (NM_001308294.2); c.1898-275C>T (NM_001308293.2, NM_001387404.1, NM_001145795.2); short protein forms R298W, R634W.
Identifiers: ClinVar variation 3344966 (VCV003344966.2).